The following is an entry in ClinVar:

NM_152703.5(SAMD9L):c.1252A>C (p.Ile418Leu)

Gene: SAMD9L (sterile alpha motif domain containing 9 like; minus strand). Cytogenetic location: 7q21.2.
Variant type: single nucleotide variant.
Coding change: c.1252A>C on transcript NM_152703.5 (MANE Select); coding-DNA position 1252, A replaced by C.
Protein change: p.Ile418Leu; replaces isoleucine 418 with leucine.
Molecular consequence: missense variant.
Genome position (GRCh38, 1-based): chr7:93,134,720, T>G on the plus strand (A>C on the coding strand, the complement: SAMD9L is on the minus strand). VCF-style: chr7-93134720-T-G. GRCh37 (hg19) VCF-style: chr7-92764033-T-G.
Other names: c.1252A>C, p.Ile418Leu (NM_001303496.3, NM_001303497.3, NM_001303498.3 and 5 more transcripts); short protein forms I418L.
Identifiers: ClinVar variation 3792324 (VCV003792324.1).

ClinVar aggregate classification (germline): Uncertain significance (1 of 4 stars; one submission).

Conditions:
Inborn genetic diseases. Identifiers: MedGen C0950123, MeSH D030342.

gnomAD v4.1: 1 of 1,613,588 alleles (0.000062%); highest among the groups gnomAD compares: Non-Finnish European, 0.000085%; no homozygotes.

Submission:

Ambry Genetics
Classification: Uncertain significance for Inborn genetic diseases. Last evaluated: 2025-01-17. Review status: criteria provided, single submitter. Criteria: Ambry Variant Classification Scheme 2023. Collection method: clinical testing. Allele origin: germline.
Comment: The p.I418L variant (also known as c.1252A>C), located in coding exon 1 of the SAMD9L gene, results from an A to C substitution at nucleotide position 1252. The isoleucine at codon 418 is replaced by leucine, an amino acid with highly similar properties. This amino acid position is conserved. In addition, this alteration is predicted to be tolerated by in silico analysis. Based on the available evidence, the clinical significance of this variant remains unclear.